The following is an entry in ClinVar:

ClinVar aggregate classification (germline): Benign/Likely benign. Review status: criteria provided, multiple submitters, no conflicts (2 of 4 stars). 6 submissions from 6 submitters: Benign (5); Likely benign (1). Last evaluated 2026-02-04.

Conditions:
Autoimmune interstitial lung disease-arthritis syndrome. Also called: Autoinflammation and autoimmunity, systemic, with immune dysregulation. Identifiers: Orphanet 444092, MedGen C5975714, MONDO:0014629.

Allele frequency attached by ClinVar (database versions not stated): gnomAD exomes 0.57059; ExAC 0.57877; gnomAD 0.63282 and 0.63518; TOPMed 0.64294; ESP Exome Variant Server 0.64470; 1000 Genomes Project 0.66274; 1000 Genomes Project 30x 0.67224.
gnomAD v4.1: 907,849 of 1,609,418 alleles (56%); highest among the groups gnomAD compares: African/African-American, 87%; 262,119 homozygotes.

Submissions (6):

Labcorp Genetics (formerly Invitae), Labcorp
Classification: Benign for Autoimmune interstitial lung disease-arthritis syndrome. Last evaluated: 2026-02-04. Review status: criteria provided, single submitter. Criteria: Invitae Variant Classification Sherloc (09022015). Collection method: clinical testing. Allele origin: germline.

Women's Health and Genetics/Laboratory Corporation of America, LabCorp
Classification: Benign. Last evaluated: 2026-01-21. Review status: criteria provided, single submitter. Criteria: LabCorp Variant Classification Summary - May 2015. Collection method: clinical testing. Allele origin: germline.

Blueprint Genetics
Classification: Likely benign. Last evaluated: 2024-11-26. Review status: criteria provided, single submitter. Criteria: ACMG Guidelines, 2015. Collection method: clinical testing. Allele origin: germline.

Unidad de Genómica Garrahan, Hospital de Pediatría Garrahan
Classification: Benign. Last evaluated: 2023-11-12. Review status: criteria provided, single submitter. Criteria: ACMG Guidelines, 2015. Collection method: clinical testing. Allele origin: germline. Affected: no. Observed: 75 variant alleles.
Comment: This variant is classified as Benign based on local population frequency. This variant was detected in 78% of patients studied by a panel of primary immunodeficiencies. Number of patients: 75. Only high quality variants are reported.

Mayo Clinic Laboratories, Mayo Clinic
Classification: Benign. Last evaluated: 2022-09-06. Review status: criteria provided, single submitter. Criteria: ACMG Guidelines, 2015. Collection method: clinical testing. Allele origin: germline. Observed: 360 variant alleles.

Breakthrough Genomics
Classification: Benign. Review status: criteria provided, single submitter. Criteria: ACMG Guidelines, 2015. Collection method: not provided. Allele origin: germline. Inheritance: Autosomal dominant inheritance. Affected: yes.

NM_004371.4(COPA):c.363C>T (p.Asn121=)

Gene: COPA (coat protein complex I subunit alpha; minus strand). Cytogenetic location: 1q23.2.
Variant type: single nucleotide variant.
Coding change: c.363C>T on transcript NM_004371.4 (MANE Select); coding-DNA position 363, C replaced by T.
Protein change: p.Asn121=; no amino-acid change (asparagine 121 retained).
Molecular consequence: synonymous variant.
Genome position (GRCh38, 1-based): chr1:160,333,626, G>A on the plus strand (C>T on the coding strand, the complement: COPA is on the minus strand). VCF-style: chr1-160333626-G-A. GRCh37 (hg19) VCF-style: chr1-160303416-G-A.
Other names: p.Asn121=; c.363C>T, p.Asn121= (NM_001098398.2).
Identifiers: ClinVar variation 1167833 (VCV001167833.16), dbSNP rs1802778, ClinGen allele CA1198392.